The following is an entry in ClinVar:

NM_007186.6(CEP250):c.4040A>G (p.Gln1347Arg)

Gene: CEP250 (centrosomal protein 250; plus strand). Cytogenetic location: 20q11.22.
Variant type: single nucleotide variant.
Coding change: c.4040A>G on transcript NM_007186.6 (MANE Select); coding-DNA position 4040, A replaced by G.
Protein change: p.Gln1347Arg; replaces glutamine 1347 with arginine.
Molecular consequence: missense variant.
Genome position (GRCh38, 1-based): chr20:35,502,409, A>G. VCF-style: chr20-35502409-A-G. GRCh37 (hg19) VCF-style: chr20-34090237-A-G.
Other names: c.4040A>G (NM_007186.3); c.2144A>G, p.Gln715Arg (NM_001318219.1); short protein forms Q715R, Q1347R.
Identifiers: ClinVar variation 1411659 (VCV001411659.6), dbSNP rs1010390421, ClinGen allele CA314159537.

ClinVar aggregate classification (germline): Uncertain significance. Review status: criteria provided, multiple submitters, no conflicts (2 of 4 stars). 2 submissions from 2 submitters: Uncertain significance (2). Last evaluated 2025-09-28.

Allele frequency attached by ClinVar (database versions not stated): gnomAD exomes below 0.00001; TOPMed below 0.00001; gnomAD 0.00001.
gnomAD v4.1: 3 of 1,612,700 alleles (0.00019%); highest among the groups gnomAD compares: Admixed American, 0.0017%; no homozygotes.

Submissions (2):

Ambry Genetics
Classification: Uncertain significance. Last evaluated: 2025-09-28. Review status: criteria provided, single submitter. Criteria: Ambry Variant Classification Scheme 2023. Collection method: clinical testing. Allele origin: germline.

Labcorp Genetics (formerly Invitae), Labcorp
Classification: Uncertain significance. Last evaluated: 2024-11-11. Review status: criteria provided, single submitter. Criteria: Invitae Variant Classification Sherloc (09022015). Collection method: clinical testing. Allele origin: germline.
Comment: This sequence change replaces glutamine with arginine at codon 1347 of the CEP250 protein (p.Gln1347Arg). The glutamine residue is moderately conserved and there is a small physicochemical difference between glutamine and arginine. This variant is not present in population databases (gnomAD no frequency). This variant has not been reported in the literature in individuals affected with CEP250-related conditions. ClinVar contains an entry for this variant (Variation ID: 1411659). An algorithm developed to predict the effect of missense changes on protein structure and function (PolyPhen-2) suggests that this variant¬†is likely to be tolerated. In summary, the available evidence is currently insufficient to determine the role of this variant in disease. Therefore, it has been classified as a Variant of Uncertain Significance.